The following is an entry in ClinVar:

NM_000243.3(MEFV):c.130C>T (p.Gln44Ter)

Gene: MEFV (MEFV innate immunity regulator, pyrin; minus strand). Cytogenetic location: 16p13.3.
Variant type: single nucleotide variant.
Coding change: c.130C>T on transcript NM_000243.3 (MANE Select); coding-DNA position 130, C replaced by T.
Protein change: p.Gln44Ter; replaces glutamine 44 with a stop codon.
Molecular consequence: nonsense.
Genome position (GRCh38, 1-based): chr16:3,256,458, G>A on the plus strand (C>T on the coding strand, the complement: MEFV is on the minus strand). VCF-style: chr16-3256458-G-A. GRCh37 (hg19) VCF-style: chr16-3306458-G-A.
Other names: c.130C>T, p.Gln44Ter (NM_001198536.2); short protein forms Q44*.
Identifiers: ClinVar variation 1034799 (VCV001034799.6), dbSNP rs1172820862, ClinGen allele CA394484471.

ClinVar aggregate classification (germline): Uncertain significance (1 of 4 stars; one submission).

Conditions:
Familial Mediterranean fever (FMF). Also called: POLYSEROSITIS, FAMILIAL PAROXYSMAL; POLYSEROSITIS, RECURRENT; Periodic peritonitis; Benign paroxysmal peritonitis. Identifiers: Orphanet 342, MedGen C0031069, MONDO:0018088, OMIM 249100. Disease mechanism: gain of function.

Submission:

Labcorp Genetics (formerly Invitae), Labcorp
Classification: Uncertain significance for Familial Mediterranean fever. Last evaluated: 2022-10-05. Review status: criteria provided, single submitter. Criteria: Invitae Variant Classification Sherloc (09022015). Collection method: clinical testing. Allele origin: germline.
Comment: This sequence change creates a premature translational stop signal (p.Gln44*) in the MEFV gene. It is expected to result in an absent or disrupted protein product. However, the current clinical and genetic evidence is not sufficient to establish whether loss-of-function variants in MEFV cause disease. In summary, the available evidence is currently insufficient to determine the role of this variant in disease. Therefore, it has been classified as a Variant of Uncertain Significance. ClinVar contains an entry for this variant (Variation ID: 1034799). This variant has not been reported in the literature in individuals affected with MEFV-related conditions. This variant is not present in population databases (gnomAD no frequency).